The following is an entry in ClinVar:

ClinVar aggregate classification (germline): Uncertain significance. Review status: criteria provided, multiple submitters, no conflicts (2 of 4 stars). 3 submissions from 3 submitters: Uncertain significance (3). Last evaluated 2025-10-23.

Conditions:
Inborn genetic diseases. Identifiers: MedGen C0950123, MeSH D030342.
Urofacial syndrome type 1. Also called: HPSE2-Related Urofacial Syndrome. Identifiers: Orphanet 2704, MedGen CN033872, MONDO:0009368, OMIM 236730.

Allele frequency attached by ClinVar (database versions not stated): gnomAD 0.00001; gnomAD exomes 0.00001 and 0.00002; TOPMed 0.00001; ExAC 0.00002.
gnomAD v4.1: 18 of 1,613,088 alleles (0.0011%); highest among the groups gnomAD compares: Middle Eastern, 0.016%; no homozygotes.

Submissions (3):

Ambry Genetics
Classification: Uncertain significance for Inborn genetic diseases. Last evaluated: 2025-10-23. Review status: criteria provided, single submitter. Criteria: Ambry Variant Classification Scheme 2023. Collection method: clinical testing. Allele origin: germline.

Fulgent Genetics
Classification: Uncertain significance for Urofacial syndrome type 1. Last evaluated: 2024-04-07. Review status: criteria provided, single submitter. Criteria: ACMG Guidelines, 2015. Collection method: clinical testing. Allele origin: germline.

Labcorp Genetics (formerly Invitae), Labcorp
Classification: Uncertain significance. Last evaluated: 2022-07-19. Review status: criteria provided, single submitter. Criteria: Invitae Variant Classification Sherloc (09022015). Collection method: clinical testing. Allele origin: germline.
Comment: In summary, the available evidence is currently insufficient to determine the role of this variant in disease. Therefore, it has been classified as a Variant of Uncertain Significance. Algorithms developed to predict the effect of missense changes on protein structure and function are either unavailable or do not agree on the potential impact of this missense change (SIFT: "Deleterious"; PolyPhen-2: "Probably Damaging"; Align-GVGD: "Class C0"). ClinVar contains an entry for this variant (Variation ID: 1372181). This variant has not been reported in the literature in individuals affected with HPSE2-related conditions. This variant is present in population databases (rs753039198, gnomAD 0.004%). This sequence change replaces arginine, which is basic and polar, with tryptophan, which is neutral and slightly polar, at codon 267 of the HPSE2 protein (p.Arg267Trp).

NM_021828.5(HPSE2):c.799C>T (p.Arg267Trp)

Gene: HPSE2 (heparanase 2 (inactive); minus strand). Cytogenetic location: 10q24.2.
Variant type: single nucleotide variant.
Coding change: c.799C>T on transcript NM_021828.5 (MANE Select); coding-DNA position 799, C replaced by T.
Protein change: p.Arg267Trp; replaces arginine 267 with tryptophan.
Molecular consequence: missense variant.
Genome position (GRCh38, 1-based): chr10:98,721,814, G>A on the plus strand (C>T on the coding strand, the complement: HPSE2 is on the minus strand). VCF-style: chr10-98721814-G-A. GRCh37 (hg19) VCF-style: chr10-100481571-G-A.
Other names: c.625C>T, p.Arg209Trp (NM_001166244.1); c.463C>T, p.Arg155Trp (NM_001166245.1); c.799C>T, p.Arg267Trp (NM_001166246.1); c.799C>T (NM_021828.4); short protein forms R209W, R267W, R155W.
Identifiers: ClinVar variation 1372181 (VCV001372181.6), dbSNP rs753039198, ClinGen allele CA5639905.